The following is an entry in ClinVar:

ClinVar aggregate classification (germline): Uncertain significance. Review status: criteria provided, multiple submitters, no conflicts (2 of 4 stars). 2 submissions from 2 submitters: Uncertain significance (2). Last evaluated 2025-06-22.

Conditions:
Hereditary cancer-predisposing syndrome. Also called: Neoplastic Syndromes, Hereditary; Hereditary Cancer Syndrome; Tumor predisposition; Hereditary neoplastic syndrome. Identifiers: Orphanet 140162, MedGen C0027672, MeSH D009386, MONDO:0015356.

Allele frequency attached by ClinVar (database versions not stated): ExAC 0.00002.
gnomAD v4.1: 3 of 1,614,136 alleles (0.00019%); highest among the groups gnomAD compares: South Asian, 0.0033%; no homozygotes.

Submissions (2):

Ambry Genetics
Classification: Uncertain significance for Hereditary cancer-predisposing syndrome. Last evaluated: 2025-06-22. Review status: criteria provided, single submitter. Criteria: Ambry Variant Classification Scheme 2023. Collection method: clinical testing. Allele origin: germline.
Comment: The p.I734L variant (also known as c.2200A>C), located in coding exon 20 of the POLE gene, results from an A to C substitution at nucleotide position 2200. The isoleucine at codon 734 is replaced by leucine, an amino acid with highly similar properties. This amino acid position is conserved. In addition, this alteration is predicted to be tolerated by in silico analysis. Since supporting evidence is limited at this time, the clinical significance of this alteration remains unclear.

Labcorp Genetics (formerly Invitae), Labcorp
Classification: Uncertain significance. Last evaluated: 2024-10-03. Review status: criteria provided, single submitter. Criteria: Invitae Variant Classification Sherloc (09022015). Collection method: clinical testing. Allele origin: germline.
Comment: This sequence change replaces isoleucine, which is neutral and non-polar, with leucine, which is neutral and non-polar, at codon 734 of the POLE protein (p.Ile734Leu). This variant is present in population databases (rs776323425, gnomAD 0.006%). This variant has not been reported in the literature in individuals affected with POLE-related conditions. ClinVar contains an entry for this variant (Variation ID: 2447938). Invitae Evidence Modeling of protein sequence and biophysical properties (such as structural, functional, and spatial information, amino acid conservation, physicochemical variation, residue mobility, and thermodynamic stability) indicates that this missense variant is not expected to disrupt POLE protein function with a negative predictive value of 80%. In summary, the available evidence is currently insufficient to determine the role of this variant in disease. Therefore, it has been classified as a Variant of Uncertain Significance.

NM_006231.4(POLE):c.2200A>C (p.Ile734Leu)

Gene: POLE (DNA polymerase epsilon, catalytic subunit; minus strand). Cytogenetic location: 12q24.33.
Variant type: single nucleotide variant.
Coding change: c.2200A>C on transcript NM_006231.4 (MANE Select); coding-DNA position 2200, A replaced by C.
Protein change: p.Ile734Leu; replaces isoleucine 734 with leucine.
Molecular consequence: missense variant.
Genome position (GRCh38, 1-based): chr12:132,667,622, T>G on the plus strand (A>C on the coding strand, the complement: POLE is on the minus strand). VCF-style: chr12-132667622-T-G. GRCh37 (hg19) VCF-style: chr12-133244208-T-G.
Other names: short protein forms I734L.
Identifiers: ClinVar variation 2447938 (VCV002447938.6), dbSNP rs776323425, ClinGen allele CA6893631.